The following is an entry in ClinVar:

ClinVar aggregate classification (germline): Uncertain significance (1 of 4 stars; one submission).

Conditions:
SEMA3B-related disorder. Also called: SEMA3B-related condition.

gnomAD v4.1: 3 of 1,579,692 alleles (0.00019%); highest among the groups gnomAD compares: Admixed American, 0.0018%; no homozygotes.

Submission:

PreventionGenetics, part of Exact Sciences
Classification: Uncertain significance for SEMA3B-related condition. Last evaluated: 2025-05-23. Review status: criteria provided, single submitter. Criteria: ACMG Guidelines, 2015. Collection method: clinical testing. Allele origin: germline.
Comment: The SEMA3B c.1001C>T variant is predicted to result in the amino acid substitution p.Thr334Met. To our knowledge, this variant has not been reported in the literature or in a large population database (gnomAD), indicating this variant is rare. At this time, the clinical significance of this variant is uncertain due to the absence of conclusive functional and genetic evidence.

NM_001290060.2(SEMA3B):c.986C>T (p.Thr329Met)

Gene: SEMA3B (semaphorin 3B; plus strand). Cytogenetic location: 3p21.31.
Variant type: single nucleotide variant.
Coding change: c.986C>T on transcript NM_001290060.2 (MANE Select); coding-DNA position 986, C replaced by T.
Protein change: p.Thr329Met; replaces threonine 329 with methionine.
Molecular consequence: missense variant. On other transcripts: 5 prime UTR variant (2).
Genome position (GRCh38, 1-based): chr3:50,273,822, C>T. VCF-style: chr3-50273822-C-T. GRCh37 (hg19) VCF-style: chr3-50311253-C-T.
Other names: c.986C>T, p.Thr329Met (NM_001005914.3, NM_001435956.1, NM_001435957.1 and 2 more transcripts); c.1001C>T, p.Thr334Met (NM_001290061.1); c.-41C>T (NM_001290062.2); c.-44C>T (NM_001290063.2); short protein forms T329M, T334M.
Identifiers: ClinVar variation 4984041 (VCV004984041.1).